The following is an entry in ClinVar:

NM_006642.5(SDCCAG8):c.832C>T (p.Arg278Cys)

Gene: SDCCAG8 (SHH signaling and ciliogenesis regulator SDCCAG8; plus strand). Cytogenetic location: 1q43.
Variant type: single nucleotide variant.
Coding change: c.832C>T on transcript NM_006642.5 (MANE Select); coding-DNA position 832, C replaced by T.
Protein change: p.Arg278Cys; replaces arginine 278 with cysteine.
Molecular consequence: missense variant. On other transcripts: 5 prime UTR variant (3).
Genome position (GRCh38, 1-based): chr1:243,308,080, C>T. VCF-style: chr1-243308080-C-T. GRCh37 (hg19) VCF-style: chr1-243471382-C-T.
Other names: c.-72C>T (NM_001350246.2, NM_001350247.2, NM_001350251.2); c.928C>T, p.Arg310Cys (NM_001350248.2); c.538C>T, p.Arg180Cys (NM_001350249.2); c.832C>T (NM_006642.3); short protein forms R278C, R310C, R180C.
Identifiers: ClinVar variation 1488083 (VCV001488083.14), dbSNP rs769004589, ClinGen allele CA1483451.

ClinVar aggregate classification (germline): Uncertain significance. Review status: criteria provided, multiple submitters, no conflicts (2 of 4 stars). 4 submissions from 4 submitters: Uncertain significance (4). Last evaluated 2026-01-14.

Conditions:
Inborn genetic diseases. Identifiers: MedGen C0950123, MeSH D030342.
Bardet-Biedl syndrome 16 (BBS16). Identifiers: Orphanet 110, MedGen C3889474, MONDO:0014444, OMIM 615993.
Senior-Loken syndrome 7 (SLSN7). Identifiers: Orphanet 3156, MedGen C3150877, MONDO:0013326, OMIM 613615.
SDCCAG8-related disorder. Also called: SDCCAG8-related condition; SDCCAG8-Related Disorders.

Allele frequency attached by ClinVar (database versions not stated): ExAC 0.00002; gnomAD 0.00008 and 0.00009; TOPMed 0.00009.
gnomAD v4.1: 36 of 1,614,008 alleles (0.0022%); highest among the groups gnomAD compares: African/African-American, 0.029%; no homozygotes.

Submissions (4):

PreventionGenetics, part of Exact Sciences
Classification: Uncertain significance for SDCCAG8-related condition. Last evaluated: 2026-01-14. Review status: criteria provided, single submitter. Criteria: ACMG Guidelines, 2015. Collection method: clinical testing. Allele origin: germline.
Comment: The SDCCAG8 c.832C>T variant is predicted to result in the amino acid substitution p.Arg278Cys. To our knowledge, this variant has not been reported in the literature. This variant is reported in 0.028% of alleles in individuals of African descent in gnomAD. At this time, the clinical significance of this variant is uncertain due to the absence of conclusive functional and genetic evidence.

Ambry Genetics
Classification: Uncertain significance for Inborn genetic diseases. Last evaluated: 2025-10-30. Review status: criteria provided, single submitter. Criteria: Ambry Variant Classification Scheme 2023. Collection method: clinical testing. Allele origin: germline.

Fulgent Genetics
Classification: Uncertain significance for Senior-Loken syndrome 7; Bardet-Biedl syndrome 16. Last evaluated: 2024-05-21. Review status: criteria provided, single submitter. Criteria: ACMG Guidelines, 2015. Collection method: clinical testing. Allele origin: germline.

Labcorp Genetics (formerly Invitae), Labcorp
Classification: Uncertain significance for Bardet-Biedl syndrome 16; Senior-Loken syndrome 7. Last evaluated: 2022-11-22. Review status: criteria provided, single submitter. Criteria: Invitae Variant Classification Sherloc (09022015). Collection method: clinical testing. Allele origin: germline.
Comment: ClinVar contains an entry for this variant (Variation ID: 1488083). In summary, the available evidence is currently insufficient to determine the role of this variant in disease. Therefore, it has been classified as a Variant of Uncertain Significance. Advanced modeling of protein sequence and biophysical properties (such as structural, functional, and spatial information, amino acid conservation, physicochemical variation, residue mobility, and thermodynamic stability) performed at Invitae indicates that this missense variant is not expected to disrupt SDCCAG8 protein function. This variant has not been reported in the literature in individuals affected with SDCCAG8-related conditions. This variant is present in population databases (rs769004589, gnomAD 0.03%). This sequence change replaces arginine, which is basic and polar, with cysteine, which is neutral and slightly polar, at codon 278 of the SDCCAG8 protein (p.Arg278Cys).